The following is an entry in ClinVar:

ClinVar aggregate classification (germline): Uncertain significance (1 of 4 stars; one submission).

Conditions:
DICER1-related tumor predisposition. Also called: DICER1 syndrome; DICER1-related pleuropulmonary blastoma cancer predisposition syndrome. Identifiers: Orphanet 284343, MedGen C3839822, MONDO:0100216.

Submission:

Labcorp Genetics (formerly Invitae), Labcorp
Classification: Uncertain significance for DICER1-related tumor predisposition. Last evaluated: 2022-06-29. Review status: criteria provided, single submitter. Criteria: Invitae Variant Classification Sherloc (09022015). Collection method: clinical testing. Allele origin: germline.
Comment: In summary, the available evidence is currently insufficient to determine the role of this variant in disease. Therefore, it has been classified as a Variant of Uncertain Significance. Algorithms developed to predict the effect of missense changes on protein structure and function are either unavailable or do not agree on the potential impact of this missense change (SIFT: "Deleterious"; PolyPhen-2: "Probably Damaging"; Align-GVGD: "Class C0"). This variant has not been reported in the literature in individuals affected with DICER1-related conditions. This variant is not present in population databases (gnomAD no frequency). This sequence change replaces leucine, which is neutral and non-polar, with isoleucine, which is neutral and non-polar, at codon 1323 of the DICER1 protein (p.Leu1323Ile).

NM_177438.3(DICER1):c.3967T>A (p.Leu1323Ile)

Gene: DICER1 (dicer 1, ribonuclease III; minus strand). Cytogenetic location: 14q32.13.
Variant type: single nucleotide variant.
Coding change: c.3967T>A on transcript NM_177438.3 (MANE Select); coding-DNA position 3967, T replaced by A.
Protein change: p.Leu1323Ile; replaces leucine 1323 with isoleucine.
Molecular consequence: missense variant. On other transcripts: non-coding transcript variant (6).
Genome position (GRCh38, 1-based): chr14:95,103,429, A>T on the plus strand (T>A on the coding strand, the complement: DICER1 is on the minus strand). VCF-style: chr14-95103429-A-T. GRCh37 (hg19) VCF-style: chr14-95569766-A-T.
Other names: c.3967T>A, p.Leu1323Ile (NM_001195573.1, NM_001271282.3, NM_001291628.2 and 13 more transcripts); c.3685T>A, p.Leu1229Ile (NM_001395686.1); c.3562T>A, p.Leu1188Ile (NM_001395687.1, NM_001395688.1, NM_001395689.1 and 2 more transcripts); c.3400T>A, p.Leu1134Ile (NM_001395691.1); c.2284T>A, p.Leu762Ile (NM_001395697.1); short protein forms L762I, L1229I, L1188I, L1134I, L1323I.
Identifiers: ClinVar variation 2012039 (VCV002012039.4), dbSNP rs1595364029, ClinGen allele CA390873063.